The following is an entry in ClinVar:

NM_000166.6(GJB1):c.596G>A (p.Gly199Asp)

Gene: GJB1 (gap junction protein beta 1; plus strand). Cytogenetic location: Xq13.1.
Variant type: single nucleotide variant.
Coding change: c.596G>A on transcript NM_000166.6 (MANE Select); coding-DNA position 596, G replaced by A.
Protein change: p.Gly199Asp; replaces glycine 199 with aspartic acid.
Molecular consequence: missense variant.
Genome position (GRCh38, 1-based): chrX:71,224,303, G>A. VCF-style: chrX-71224303-G-A. GRCh37 (hg19) VCF-style: chrX-70444153-G-A.
Other names: c.596G>A, p.Gly199Asp (NM_001097642.3); short protein forms G199D.
Identifiers: ClinVar variation 1526261 (VCV001526261.1), dbSNP rs2147946811, ClinGen allele CA413503255.
Genomic context (GRCh38, chrX:71,224,303, plus strand): 5'-GCTTCGTGTCCCGCCCCACCGAGAAAACCGTCTTCACCGTCTTCATGCTAGCTGCCTCTG[G>A]CATCTGCATCATCCTCAATGTGGCCGAGGTGGTGTACCTCATCATCCGGGCCTGTGCCCG-3'
Protein context (NP_000157.1, residues 189-209): VFTVFMLAAS[Gly199Asp]ICIILNVAEV

ClinVar aggregate classification (germline): Uncertain significance (1 of 4 stars; one submission).

Conditions:
Charcot-Marie-Tooth disease X-linked dominant 1. Also called: CHARCOT-MARIE-TOOTH NEUROPATHY, X-LINKED, 1; CHARCOT-MARIE-TOOTH PERONEAL MUSCULAR ATROPHY, X-LINKED; GJB1 Disorders: Charcot-Marie-Tooth Neuropathy (CMT1X) and Central Nervous System Phenotypes; HEREDITARY MOTOR AND SENSORY NEUROPATHY, X-LINKED; HMSN, X-LINKED; Charcot-Marie-Tooth Neuropathy X Type 1. Identifiers: Orphanet 101075, MedGen C0393808, MONDO:0010549, OMIM 302800.

Submission:

3billion
Classification: Uncertain significance for Charcot-Marie-Tooth disease X-linked dominant 1. Last evaluated: 2022-03-22. Review status: criteria provided, single submitter. Criteria: ACMG Guidelines, 2015. Collection method: clinical testing. Allele origin: germline. Affected: yes. Observed: 1 hemizygote.
Comment: Different pathogenic/likely pathogenic amino acid change has been reported with supporting evidence at the same codon (PMID:9099841). In silico tool predictions suggest damaging effect of the variant on gene or gene product (REVEL: 0.789>=0.6, 3CNET: 0.928>=0.75). A missense variant is a common mechanism. It is not observed in the gnomAD v2.1.1 dataset. Therefore, this variant is classified as uncertain significance according to the recommendation of ACMG/AMP guideline.

Literature cited by the submitters: PubMed 9099841.